The following is an entry in ClinVar:

NM_000540.3(RYR1):c.14637C>G (p.Asp4879Glu)

Gene: RYR1 (ryanodine receptor 1; plus strand). Cytogenetic location: 19q13.2.
Variant type: single nucleotide variant.
Coding change: c.14637C>G on transcript NM_000540.3 (MANE Select); coding-DNA position 14637, C replaced by G.
Protein change: p.Asp4879Glu; replaces aspartic acid 4879 with glutamic acid.
Molecular consequence: missense variant.
Genome position (GRCh38, 1-based): chr19:38,580,495, C>G. VCF-style: chr19-38580495-C-G. GRCh37 (hg19) VCF-style: chr19-39071135-C-G.
Other names: c.14622C>G, p.Asp4874Glu (NM_001042723.2); short protein forms D4879E, D4874E.
Identifiers: ClinVar variation 645993 (VCV000645993.8), dbSNP rs1599665324, ClinGen allele CA405688120.

ClinVar aggregate classification (germline): Uncertain significance (1 of 4 stars; one submission).

Conditions:
RYR1-related disorder. Also called: RYR1-related disorders; RYR1-related condition. Identifiers: MedGen CN239331.

Submission:

Labcorp Genetics (formerly Invitae), Labcorp
Classification: Uncertain significance for RYR1-related disorder. Last evaluated: 2022-06-04. Review status: criteria provided, single submitter. Criteria: Invitae Variant Classification Sherloc (09022015). Collection method: clinical testing. Allele origin: germline.
Comment: In summary, the available evidence is currently insufficient to determine the role of this variant in disease. Therefore, it has been classified as a Variant of Uncertain Significance. Algorithms developed to predict the effect of missense changes on protein structure and function are either unavailable or do not agree on the potential impact of this missense change (SIFT: "Deleterious"; PolyPhen-2: "Not Available"; Align-GVGD: "Class C0"). ClinVar contains an entry for this variant (Variation ID: 645993). This variant has not been reported in the literature in individuals affected with RYR1-related conditions. This variant is not present in population databases (gnomAD no frequency). This sequence change replaces aspartic acid, which is acidic and polar, with glutamic acid, which is acidic and polar, at codon 4879 of the RYR1 protein (p.Asp4879Glu).